The following is an entry in ClinVar:

NM_182914.3(SYNE2):c.15935C>T (p.Thr5312Ile)

Gene: SYNE2 (spectrin repeat containing nuclear envelope protein 2; plus strand). Cytogenetic location: 14q23.2.
Variant type: single nucleotide variant.
Coding change: c.15935C>T on transcript NM_182914.3 (MANE Select); coding-DNA position 15935, C replaced by T.
Protein change: p.Thr5312Ile; replaces threonine 5312 with isoleucine.
Molecular consequence: missense variant.
Genome position (GRCh38, 1-based): chr14:64,158,767, C>T. VCF-style: chr14-64158767-C-T. GRCh37 (hg19) VCF-style: chr14-64625485-C-T.
Other names: c.15935C>T, p.Thr5312Ile (NM_015180.6); short protein forms T5312I.
Identifiers: ClinVar variation 5041860 (VCV005041860.1).
Genomic context (GRCh38, chr14:64,158,767, plus strand): 5'-TGACAATCCGATTCTGGTACTGCATGGAACACAGCAAGCCTGTGGTGTTATCATTGGAGA[C>T]CTTGAGATGCCAGGTGGAGAACCTTCAGGTAAATTAACCAGAGCTTGGCATGGTGCATTA-3'
Protein context (NP_878918.2, residues 5302-5322): HSKPVVLSLE[Thr5312Ile]LRCQVENLQS

ClinVar aggregate classification (germline): Uncertain significance (1 of 4 stars; one submission).

gnomAD v4.1: 1 of 1,613,820 alleles (0.000062%); highest among the groups gnomAD compares: Admixed American, 0.0017%; no homozygotes.

Submission:

CeGaT Center for Human Genetics Tuebingen
Classification: Uncertain significance. Last evaluated: 2026-09-01. Review status: criteria provided, single submitter. Criteria: CeGaT Center For Human Genetics Tuebingen Variant Classification Criteria Version 2. Collection method: clinical testing. Allele origin: germline. Affected: yes. Observed: 1 variant allele.
Comment: SYNE2: PM2, BP4